The following is an entry in ClinVar:

NM_014795.4(ZEB2):c.3378G>A (p.Glu1126=)

Gene: ZEB2 (zinc finger E-box binding homeobox 2; minus strand). Cytogenetic location: 2q22.3.
Variant type: single nucleotide variant.
Coding change: c.3378G>A on transcript NM_014795.4 (MANE Select); coding-DNA position 3378, G replaced by A.
Protein change: p.Glu1126=; no amino-acid change (glutamic acid 1126 retained).
Molecular consequence: synonymous variant.
Genome position (GRCh38, 1-based): chr2:144,389,718, C>T on the plus strand (G>A on the coding strand, the complement: ZEB2 is on the minus strand). VCF-style: chr2-144389718-C-T. GRCh37 (hg19) VCF-style: chr2-145147285-C-T.
Other names: c.3306G>A, p.Glu1102= (NM_001171653.2).
Identifiers: ClinVar variation 1612936 (VCV001612936.18), dbSNP rs1703129681, ClinGen allele CA429441165.
Genomic context (GRCh38, chr2:144,389,718, plus strand): 5'-ATCCTCGCCTTCTTTCTCGTGCTCCTTCTCGCTCTCGCCATCCCTCGGCATACTCTCCCT[C>T]TCCTCCGAGTCAGAGTACCCCTGAGGGGTAATGCTCTGCAAGTAAGCCCGGTTCATCAGC-3'
Protein context (NP_055610.1, residues 1116-1136): ITPQGYSDSE[Glu1126=]RESMPRDGES

ClinVar aggregate classification (germline): Likely benign. Review status: criteria provided, multiple submitters, no conflicts (2 of 4 stars). 2 submissions from 2 submitters: Likely benign (2). Last evaluated 2025-08-24.

Conditions:
Mowat-Wilson syndrome (MOWS). Also called: Classic Mowat-Wilson Syndrome. Identifiers: Orphanet 2152, MedGen C1856113, MONDO:0009341, OMIM 235730.

Allele frequency attached by ClinVar (database versions not stated): gnomAD exomes below 0.00001; TOPMed below 0.00001.
gnomAD v4.1: 6 of 1,613,424 alleles (0.00037%); highest among the groups gnomAD compares: Non-Finnish European, 0.00051%; no homozygotes.

Submissions (2):

Labcorp Genetics (formerly Invitae), Labcorp
Classification: Likely benign for Mowat-Wilson syndrome. Last evaluated: 2025-08-24. Review status: criteria provided, single submitter. Criteria: Invitae Variant Classification Sherloc (09022015). Collection method: clinical testing. Allele origin: germline.

CeGaT Center for Human Genetics Tuebingen
Classification: Likely benign. Last evaluated: 2025-06-01. Review status: criteria provided, single submitter. Criteria: CeGaT Center For Human Genetics Tuebingen Variant Classification Criteria Version 2. Collection method: clinical testing. Allele origin: germline. Affected: yes. Observed: 1 variant allele.
Comment: ZEB2: BP4